The following is an entry in ClinVar:

NM_001365276.2(TNXB):c.1871A>C (p.Asn624Thr)

Gene: TNXB (tenascin XB; minus strand). Cytogenetic location: 6p21.33.
Variant type: single nucleotide variant.
Coding change: c.1871A>C on transcript NM_001365276.2 (MANE Select); coding-DNA position 1871, A replaced by C.
Protein change: p.Asn624Thr; replaces asparagine 624 with threonine.
Molecular consequence: missense variant.
Genome position (GRCh38, 1-based): chr6:32,095,982, T>G on the plus strand (A>C on the coding strand, the complement: TNXB is on the minus strand). VCF-style: chr6-32095982-T-G. GRCh37 (hg19) VCF-style: chr6-32063759-T-G.
Other names: c.1871A>C, p.Asn624Thr (NM_019105.8); short protein forms N624T.
Identifiers: ClinVar variation 1314561 (VCV001314561.4), dbSNP rs1042697787, ClinGen allele CA136905744.

ClinVar aggregate classification (germline): Uncertain significance. Review status: criteria provided, multiple submitters, no conflicts (2 of 4 stars). 2 submissions from 2 submitters: Uncertain significance (2). Last evaluated 2024-01-23.

Conditions:
Cardiovascular phenotype. Identifiers: MedGen CN230736.

Allele frequency attached by ClinVar (database versions not stated): TOPMed 0.00001; gnomAD exomes 0.00002 and 0.00003; gnomAD 0.00004.
gnomAD v4.1: 47 of 1,612,902 alleles (0.0029%); highest among the groups gnomAD compares: Non-Finnish European, 0.0039%; no homozygotes.

Submissions (2):

Ambry Genetics
Classification: Uncertain significance for Cardiovascular phenotype. Last evaluated: 2024-01-23. Review status: criteria provided, single submitter. Criteria: Ambry Variant Classification Scheme 2023. Collection method: clinical testing. Allele origin: germline.
Comment: The p.N624T variant (also known as c.1871A>C), located in coding exon 2 of the TNXB gene, results from an A to C substitution at nucleotide position 1871. The asparagine at codon 624 is replaced by threonine, an amino acid with similar properties. This amino acid position is conserved. In addition, this alteration is predicted to be tolerated by in silico analysis. Since supporting evidence is limited at this time, the clinical significance of this alteration remains unclear.

GeneDx
Classification: Uncertain significance. Last evaluated: 2021-04-08. Review status: criteria provided, single submitter. Criteria: GeneDx Variant Classification Process June 2021. Collection method: clinical testing. Allele origin: germline. Affected: yes.
Comment: Has not been previously published as pathogenic or benign to our knowledge; In silico analysis supports that this missense variant has a deleterious effect on protein structure/function